The following is an entry in ClinVar:

NM_001363118.2(SLC52A2):c.-110-5T>C

Gene: SLC52A2 (solute carrier family 52 member 2; plus strand). Cytogenetic location: 8q24.3.
Variant type: single nucleotide variant.
Coding change: c.-110-5T>C on transcript NM_001363118.2 (MANE Select); 5 bases into the intron before 110 bases upstream of the start codon, T replaced by C.
Molecular consequence: intron variant.
Genome position (GRCh38, 1-based): chr8:144,359,179, T>C. VCF-style: chr8-144359179-T-C. GRCh37 (hg19) VCF-style: chr8-145582839-T-C.
Other names: c.-110-5T>C (NM_001253816.2, NM_001363120.2, NM_024531.5 and 1 more transcripts); c.-106-9T>C (NM_001363121.2, NM_001253815.2).
Identifiers: ClinVar variation 380872 (VCV000380872.5), dbSNP rs3817681, ClinGen allele CA12887624.
Genomic context (GRCh38, chr8:144,359,179, plus strand): 5'-TCCCCTGGTCTCACCCTGTTCTGACTCCGGCTCTGCATCCTATCTGTTTCTCTGTTTCTT[T>C]CAAGCTAGAAGAAGTCTTCACTTCCCAGGAGAGCCAAAGCGTGTCTGGCCCTAGGTGGGA-3'

ClinVar aggregate classification (germline): Benign. Review status: criteria provided, multiple submitters, no conflicts (2 of 4 stars). 4 submissions from 4 submitters: Benign (4). Last evaluated 2024-11-27.

Conditions:
Brown-Vialetto-van Laere syndrome 2. Also called: Riboflavin transporter deficiency type 2; SPINOCEREBELLAR ATAXIA WITH BLINDNESS AND DEAFNESS 2. Identifiers: Orphanet 572543, Orphanet 97229, MedGen C3553538, MONDO:0013867, OMIM 614707.

Allele frequency attached by ClinVar (database versions not stated): gnomAD 0.37174 and 0.35735; TOPMed 0.36217; 1000 Genomes Project 30x 0.44988; gnomAD exomes 0.44149; 1000 Genomes Project 0.45727.

Submissions (4):

Blueprint Genetics
Classification: Benign. Last evaluated: 2024-11-27. Review status: criteria provided, single submitter. Criteria: ACMG Guidelines, 2015. Collection method: clinical testing. Allele origin: germline.

Genome-Nilou Lab
Classification: Benign for Brown-Vialetto-van Laere syndrome 2. Last evaluated: 2021-07-15. Review status: criteria provided, single submitter. Criteria: ACMG Guidelines, 2015. Collection method: clinical testing. Allele origin: germline. Affected: no.

GeneDx
Classification: Benign. Last evaluated: 2015-12-22. Review status: criteria provided, single submitter. Criteria: GeneDx Variant Classification (06012015). Collection method: clinical testing. Allele origin: germline. Affected: yes.
Comment: This variant is considered likely benign or benign based on one or more of the following criteria: it is a conservative change, it occurs at a poorly conserved position in the protein, it is predicted to be benign by multiple in silico algorithms, and/or has population frequency not consistent with disease.

Breakthrough Genomics
Classification: Benign. Review status: criteria provided, single submitter. Criteria: ACMG Guidelines, 2015. Collection method: not provided. Allele origin: germline. Inheritance: Autosomal recessive inheritance. Affected: yes.